The following is an entry in ClinVar:

ClinVar aggregate classification (germline): Benign (1 of 4 stars; one submission).

Conditions:
Sessile serrated polyposis cancer syndrome (SSPCS). Identifiers: Orphanet 157798, MedGen C4310714, MONDO:0014919, OMIM 617108.

Submission:

Myriad Genetics, Inc.
Classification: Benign for Sessile serrated polyposis cancer syndrome. Last evaluated: 2026-06-29. Review status: criteria provided, single submitter. Criteria: Myriad Autosomal Dominant, Autosomal Recessive and X-Linked Classification Criteria (2023). Collection method: clinical testing. Allele origin: unknown.
Comment: This variant is considered benign. This variant is a silent/synonymous amino acid change and it is not expected to impact splicing.

NM_017763.6(RNF43):c.30T>C (p.Ala10=)

Gene: RNF43 (ring finger protein 43; minus strand). Cytogenetic location: 17q22.
Variant type: single nucleotide variant.
Coding change: c.30T>C on transcript NM_017763.6 (MANE Select); coding-DNA position 30, T replaced by C.
Protein change: p.Ala10=; no amino-acid change (alanine 10 retained).
Molecular consequence: synonymous variant. On other transcripts: intron variant (1).
Genome position (GRCh38, 1-based): chr17:58,415,548, A>G on the plus strand (T>C on the coding strand, the complement: RNF43 is on the minus strand). VCF-style: chr17-58415548-A-G. GRCh37 (hg19) VCF-style: chr17-56492909-A-G.
Other names: c.30T>C, p.Ala10= (NM_001305544.3, NM_001438820.1, NM_001438821.1 and 1 more transcripts); c.-130+1469T>C (NM_001437987.1).
Identifiers: ClinVar variation 4875914 (VCV004875914.1).